The following is an entry in ClinVar:

NM_004304.5(ALK):c.2355T>G (p.Ser785Arg)

Gene: ALK (ALK receptor tyrosine kinase; minus strand). Cytogenetic location: 2p23.2.
Variant type: single nucleotide variant.
Coding change: c.2355T>G on transcript NM_004304.5 (MANE Select); coding-DNA position 2355, T replaced by G.
Protein change: p.Ser785Arg; replaces serine 785 with arginine.
Molecular consequence: missense variant.
Genome position (GRCh38, 1-based): chr2:29,239,680, A>C on the plus strand (T>G on the coding strand, the complement: ALK is on the minus strand). VCF-style: chr2-29239680-A-C. GRCh37 (hg19) VCF-style: chr2-29462546-A-C.
Other names: short protein forms S785R.
Identifiers: ClinVar variation 2956510 (VCV002956510.3), dbSNP rs1664471490, ClinGen allele CA346474157.
Genomic context (GRCh38, chr2:29,239,680, plus strand): 5'-AAGAGGCCTTCCCGGGGCCTGACAGAGTGCAGACGAGAAACCCCTGCTCTGGGCACTTAC[A>C]CTGGGGCAGGCGTCCTCTCCCTGCTGCCCAACCAGGATGTACAGCATGTCATCCTTCTCC-3'
Protein context (NP_004295.2, residues 775-795): VGQQGEDACP[Ser785Arg]TNQLIQKVCI

ClinVar aggregate classification (germline): Uncertain significance (1 of 4 stars; one submission).

Conditions:
Neuroblastoma, susceptibility to, 3. Also called: ALK-Related Neuroblastic Tumor Susceptibility. Identifiers: Orphanet 635, MedGen C2751681, MONDO:0013083, OMIM 613014.

Allele frequency attached by ClinVar (database versions not stated): gnomAD exomes below 0.00001.
gnomAD v4.1: 1 of 1,613,768 alleles (0.000062%); highest among the groups gnomAD compares: Middle Eastern, 0.017%; no homozygotes.

Submission:

Labcorp Genetics (formerly Invitae), Labcorp
Classification: Uncertain significance for Neuroblastoma, susceptibility to, 3. Last evaluated: 2023-06-29. Review status: criteria provided, single submitter. Criteria: Invitae Variant Classification Sherloc (09022015). Collection method: clinical testing. Allele origin: germline.
Comment: This sequence change replaces serine, which is neutral and polar, with arginine, which is basic and polar, at codon 785 of the ALK protein (p.Ser785Arg). This variant is not present in population databases (gnomAD no frequency). This variant has not been reported in the literature in individuals affected with ALK-related conditions. Algorithms developed to predict the effect of missense changes on protein structure and function output the following: SIFT: "Not Available"; PolyPhen-2: "Benign"; Align-GVGD: "Not Available". The arginine amino acid residue is found in multiple mammalian species, which suggests that this missense change does not adversely affect protein function. In summary, the available evidence is currently insufficient to determine the role of this variant in disease. Therefore, it has been classified as a Variant of Uncertain Significance.